The following is an entry in ClinVar:

NC_000009.11:g.(?_325651)_(382705_?)del

Gene: DOCK8 (dedicator of cytokinesis 8; plus strand). Cytogenetic location: 9p24.3.
Variant type: Deletion.
Identifiers: ClinVar variation 3245210 (VCV003245210.1).

ClinVar aggregate classification (germline): Pathogenic (1 of 4 stars; one submission).

Submission:

Labcorp Genetics (formerly Invitae), Labcorp
Classification: Pathogenic. Last evaluated: 2023-11-06. Review status: criteria provided, single submitter. Criteria: Invitae Variant Classification Sherloc (09022015). Collection method: clinical testing. Allele origin: unknown.
Comment: This variant is a gross deletion of the genomic region encompassing exon(s) 8-22 of the DOCK8 gene. This deletion is out-of-frame, and is expected to create a premature termination codon and result in an absent or disrupted protein product. Loss-of-function variants in DOCK8 are known to be pathogenic (PMID: 14722525, 19776401). This variant has not been reported in the literature in individuals affected with DOCK8-related conditions. For these reasons, this variant has been classified as Pathogenic.

Literature cited by the submitters: PubMed 14722525; PubMed 19776401.